The following is an entry in ClinVar:

ClinVar aggregate classification (germline): Benign (0 of 4 stars; one submission).

Conditions:
APAF1-related disorder. Also called: APAF1-related condition.

Allele frequency attached by ClinVar (database versions not stated): gnomAD exomes 0.00018; ExAC 0.00058; 1000 Genomes Project 0.00160; ESP Exome Variant Server 0.00169; 1000 Genomes Project 30x 0.00172; gnomAD 0.00183; TOPMed 0.00226.
gnomAD v4.1: 553 of 1,614,222 alleles (0.034%); highest among the groups gnomAD compares: African/African-American, 0.67%; 1 homozygote.

Submission:

PreventionGenetics, part of Exact Sciences
Classification: Benign for APAF1-related condition. Last evaluated: 2019-08-05. Review status: no assertion criteria provided. Collection method: clinical testing. Allele origin: germline.
Comment: This variant is classified as benign based on ACMG/AMP sequence variant interpretation guidelines (Richards et al. 2015 PMID: 25741868, with internal and published modifications).

NM_181861.2(APAF1):c.2421T>G (p.Ser807=)

Gene: APAF1 (apoptotic peptidase activating factor 1; plus strand). Cytogenetic location: 12q23.1.
Variant type: single nucleotide variant.
Coding change: c.2421T>G on transcript NM_181861.2 (MANE Select); coding-DNA position 2421, T replaced by G.
Protein change: p.Ser807=; no amino-acid change (serine 807 retained).
Molecular consequence: synonymous variant. On other transcripts: intron variant (1).
Genome position (GRCh38, 1-based): chr12:98,699,524, T>G. VCF-style: chr12-98699524-T-G. GRCh37 (hg19) VCF-style: chr12-99093302-T-G.
Other names: c.2388T>G, p.Ser796= (NM_001160.3, NM_013229.3); c.2421T>G, p.Ser807= (NM_181868.2); c.956-32896T>G (NM_181869.2).
Identifiers: ClinVar variation 3034869 (VCV003034869.2), dbSNP rs143097832, ClinGen allele CA6734252.